The following is an entry in ClinVar:

ClinVar aggregate classification (germline): Uncertain significance. Review status: criteria provided, multiple submitters, no conflicts (2 of 4 stars). 8 submissions from 8 submitters: Uncertain significance (7). 1 of the submissions does not count toward it. Last evaluated 2026-08-06.

Conditions:
CFTR-related disorder (CFTR-RD). Also called: CFTR-related disorders; CFTR-related condition. Identifiers: MedGen C5924204, MONDO:7770004.
Hereditary pancreatitis (PCTT). Also called: PRSS1-Related Hereditary Pancreatitis; Hereditary chronic pancreatitis. Identifiers: Orphanet 676, MedGen C0238339, MONDO:0008185, OMIM 167800.
Cystic fibrosis (CF). Also called: MUCOVISCIDOSIS. Identifiers: Orphanet 586, MedGen C0010674, MONDO:0009061, OMIM 219700. Disease mechanism: loss of function.

Allele frequency attached by ClinVar (database versions not stated): gnomAD 0.00001 and 0.00002; TOPMed 0.00002.
gnomAD v4.1: 30 of 1,613,908 alleles (0.0019%); highest among the groups gnomAD compares: East Asian, 0.029%; no homozygotes.

Submissions (8):

OLLIN Analises Genomicas, OLLIN
Classification: Uncertain significance for Hereditary pancreatitis. Last evaluated: 2026-08-06. Review status: criteria provided, single submitter. Criteria: ACMG Guidelines 2015 PMID 25741868. Collection method: clinical testing. Allele origin: germline. Inheritance: Autosomal recessive inheritance.
Comment: This missense variant, located in exon 27 (of 27), has been reported in ClinVar (accession VCV000455780.25) and in gnomAD with an allele frequency of 0.0019%. However, to our knowledge, it has not been reported in the scientific literature. In silico analysis predicts that this variant has a deleterious effect. According to the currently available evidence, this variant has been classified as uncertain significance (PM2_P, PM3_S, PP3_M).

PreventionGenetics, part of Exact Sciences
Classification: Uncertain significance for CFTR-related condition. Last evaluated: 2026-05-14. Review status: criteria provided, single submitter. Criteria: ACMG Guidelines, 2015. Collection method: clinical testing. Allele origin: germline.
Comment: The CFTR c.4277C>T variant is predicted to result in the amino acid substitution p.Ser1426Phe. This variant has been reported in the heterozygous state in a patient with non-obstructive severe oligozoospermia (Larriba et al. 2005. PubMed ID: 16128988), a patient with pancreatic cancer (Tamura et al. 2018. PubMed ID: 29669919), and in the setting of newborn screening or prenatal diagnosis for cystic fibrosis (Lefterova et al. 2016. PubMed ID: 26847993; Tomaiuolo et al. 2013. PubMed ID: 23612672). This variant is reported in 0.027% of alleles in individuals of East Asian descent in gnomAD. At this time, the clinical significance of this variant is uncertain due to the absence of conclusive functional and genetic evidence.

Women's Health and Genetics/Laboratory Corporation of America, LabCorp
Classification: Uncertain significance. Last evaluated: 2026-04-15. Review status: criteria provided, single submitter. Criteria: LabCorp Variant Classification Summary - May 2015. Collection method: clinical testing. Allele origin: germline.
Comment: Variant summary: CFTR c.4277C>T (p.Ser1426Phe) results in a non-conservative amino acid change located in the ATP-binding cassette, ABC transporter-type domain (IPR003439) of the encoded protein sequence. Algorithms developed to predict the effect of missense changes on protein structure and function all suggest that this variant is likely to be disruptive. The variant allele was found at a frequency of 4e-05 in 250796 control chromosomes. This frequency is not significantly higher than estimated for disease-causing variants in CFTR, allowing no conclusion about variant significance. c.4277C>T has been observed in individuals affected with non-obstructive severe oligozoospermia and unilateral cryptorchidism, pancreatic cancer, and in the setting of newborn screening for CFTR (e.g., Larriba_2005, Lefterova_2016, Tamura_2018, Yildiz_2024, Angyal_2024). These reports do not provide unequivocal conclusions about association of the variant with Cystic Fibrosis or CFTR-related disorders. At least one publication reports experimental evidence evaluating an impact on protein function. The most pronounced variant effect resulted in approximately 41% of normal chloride channel conductance relative to wild type (e.g., Bihler_2024). The following publications have been ascertained in the context of this evaluation (PMID: 38388235, 16128988, 26847993, 25880441, 25735457, 29669919, 23612672, 39031495, 38493004). ClinVar contains an entry for this variant (Variation ID: 455780). Based on the evidence outlined above, the variant was classified as VUS-possibly pathogenic.

Labcorp Genetics (formerly Invitae), Labcorp
Classification: Uncertain significance for Cystic fibrosis. Last evaluated: 2024-10-31. Review status: criteria provided, single submitter. Criteria: Invitae Variant Classification Sherloc (09022015). Collection method: clinical testing. Allele origin: germline.
Comment: This sequence change replaces serine, which is neutral and polar, with phenylalanine, which is neutral and non-polar, at codon 1426 of the CFTR protein (p.Ser1426Phe). This variant is present in population databases (rs762847468, gnomAD 0.03%). This missense change has been observed in individual(s) with non-obstructive severe oligozoospermia and unilateral cryptorchidism (PMID: 16128988, 23612672). ClinVar contains an entry for this variant (Variation ID: 455780). Invitae Evidence Modeling of protein sequence and biophysical properties (such as structural, functional, and spatial information, amino acid conservation, physicochemical variation, residue mobility, and thermodynamic stability) has been performed for this missense variant. However, the output from this modeling did not meet the statistical confidence thresholds required to predict the impact of this variant on CFTR protein function. In summary, the available evidence is currently insufficient to determine the role of this variant in disease. Therefore, it has been classified as a Variant of Uncertain Significance.

Ambry Genetics
Classification: Uncertain significance for Cystic fibrosis. Last evaluated: 2024-04-19. Review status: criteria provided, single submitter. Criteria: Ambry Variant Classification Scheme 2023. Collection method: clinical testing. Allele origin: germline.
Comment: The p.S1426F variant (also known as c.4277C>T), located in coding exon 27 of the CFTR gene, results from a C to T substitution at nucleotide position 4277. The serine at codon 1426 is replaced by phenylalanine, an amino acid with highly dissimilar properties. This variant was also detected as compound heterozygous with a CFTR D1152H variant in a child with reported CFTR-related disorder including recurrent pneumonitis (Castaldo A et al. Diagnostics (Basel), 2020 Aug;10:). This amino acid position is highly conserved in available vertebrate species. In addition, this alteration is predicted to be deleterious by in silico analysis. Based on available evidence to date, the clinical significance of this alteration remains unclear.

Genome-Nilou Lab
Classification: Uncertain significance for Cystic fibrosis. Last evaluated: 2021-09-05. Review status: criteria provided, single submitter. Criteria: ACMG Guidelines, 2015. Collection method: clinical testing. Allele origin: germline. Affected: no.

Mayo Clinic Laboratories, Mayo Clinic
Classification: Uncertain significance. Last evaluated: 2020-10-30. Review status: criteria provided, single submitter. Criteria: ACMG Guidelines, 2015. Collection method: clinical testing. Allele origin: germline. Observed: 1 variant allele.

Natera, Inc.
Classification: Uncertain significance for CFTR-related disorders. Last evaluated: 2018-11-11. Review status: no assertion criteria provided. Collection method: clinical testing. Allele origin: germline. Not counted in ClinVar's aggregate classification.

Literature cited by the submitters: PubMed 16128988 (cited by 3 submitters); PubMed 25735457 (cited by Women's Health and Genetics/Laboratory Corporation of America, LabCorp); PubMed 26847993 (cited by Women's Health and Genetics/Laboratory Corporation of America, LabCorp); PubMed 25880441 (cited by Women's Health and Genetics/Laboratory Corporation of America, LabCorp); PubMed 29669919 (cited by Women's Health and Genetics/Laboratory Corporation of America, LabCorp); PubMed 23612672 (cited by Women's Health and Genetics/Laboratory Corporation of America, LabCorp and Labcorp Genetics (formerly Invitae), Labcorp); PubMed 38388235 (cited by Women's Health and Genetics/Laboratory Corporation of America, LabCorp); PubMed 38493004 (cited by Women's Health and Genetics/Laboratory Corporation of America, LabCorp); PubMed 39031495 (cited by Women's Health and Genetics/Laboratory Corporation of America, LabCorp); PubMed 32784480 (cited by Ambry Genetics).

NM_000492.4(CFTR):c.4277C>T (p.Ser1426Phe)

Genes: CFTR (CF transmembrane conductance regulator; plus strand), LOC111674477 (CFTR intron 23 enhancer; plus strand). Cytogenetic location: 7q31.2.
Variant type: single nucleotide variant.
Coding change: c.4277C>T on transcript NM_000492.4 (MANE Select); coding-DNA position 4277, C replaced by T.
Protein change: p.Ser1426Phe; replaces serine 1426 with phenylalanine.
Molecular consequence: missense variant.
Genome position (GRCh38, 1-based): chr7:117,666,942, C>T. VCF-style: chr7-117666942-C-T. GRCh37 (hg19) VCF-style: chr7-117306996-C-T.
Other names: short protein forms S1426F.
Identifiers: ClinVar variation 455780 (VCV000455780.26), dbSNP rs762847468, ClinGen allele CA4451682.
Genomic context (GRCh38, chr7:117,666,942, plus strand): 5'-GATCTCACTAACAGCCATTTCCCTAGGTCATAGAAGAGAACAAAGTGCGGCAGTACGATT[C>T]CATCCAGAAACTGCTGAACGAGAGGAGCCTCTTCCGGCAAGCCATCAGCCCCTCCGACAG-3'
Protein context (NP_000483.3, residues 1416-1436): IEENKVRQYD[Ser1426Phe]IQKLLNERSL